The following is an entry in ClinVar:

NM_022114.4(PRDM16):c.284G>T (p.Gly95Val)

Gene: PRDM16 (PR/SET domain 16; plus strand). Cytogenetic location: 1p36.32.
Variant type: single nucleotide variant.
Coding change: c.284G>T on transcript NM_022114.4 (MANE Select); coding-DNA position 284, G replaced by T.
Protein change: p.Gly95Val; replaces glycine 95 with valine.
Molecular consequence: missense variant.
Genome position (GRCh38, 1-based): chr1:3,186,371, G>T. VCF-style: chr1-3186371-G-T. GRCh37 (hg19) VCF-style: chr1-3102935-G-T.
Other names: c.284G>T, p.Gly95Val (NM_199454.3); short protein forms G95V.
Identifiers: ClinVar variation 2170445 (VCV002170445.4), dbSNP rs1644268150, ClinGen allele CA338215777.
Genomic context (GRCh38, chr1:3,186,371, plus strand): 5'-CTGAAGACATTCCGATCCCAGCAGACTTCGAGCTCCGAGAGTCCTCCATCCCAGGGGCTG[G>T]CCTGGGGGTCTGGGCCAAGAGGAAGATGGAAGCCGGGGAGAGGCTGGGCCCCTGCGTGGT-3'
Protein context (NP_071397.3, residues 85-105): ELRESSIPGA[Gly95Val]LGVWAKRKME

ClinVar aggregate classification (germline): Uncertain significance (1 of 4 stars; one submission).

Conditions:
Left ventricular noncompaction 8 (LVNC8). Identifiers: Orphanet 154, Orphanet 54260, MedGen C3809288, MONDO:0014152, OMIM 615373.

Allele frequency attached by ClinVar (database versions not stated): TOPMed below 0.00001.

Submission:

Labcorp Genetics (formerly Invitae), Labcorp
Classification: Uncertain significance for Left ventricular noncompaction 8. Last evaluated: 2022-05-25. Review status: criteria provided, single submitter. Criteria: Invitae Variant Classification Sherloc (09022015). Collection method: clinical testing. Allele origin: germline.
Comment: This variant has not been reported in the literature in individuals affected with PRDM16-related conditions. This variant is not present in population databases (gnomAD no frequency). This sequence change replaces glycine, which is neutral and non-polar, with valine, which is neutral and non-polar, at codon 95 of the PRDM16 protein (p.Gly95Val). Algorithms developed to predict the effect of missense changes on protein structure and function are either unavailable or do not agree on the potential impact of this missense change (SIFT: "Deleterious"; PolyPhen-2: "Probably Damaging"; Align-GVGD: "Class C0"). In summary, the available evidence is currently insufficient to determine the role of this variant in disease. Therefore, it has been classified as a Variant of Uncertain Significance.